The following is an entry in ClinVar:

NM_015295.3(SMCHD1):c.6005A>C (p.Lys2002Thr)

Gene: SMCHD1 (structural maintenance of chromosomes flexible hinge domain containing 1; plus strand). Cytogenetic location: 18p11.32.
Variant type: single nucleotide variant.
Coding change: c.6005A>C on transcript NM_015295.3 (MANE Select); coding-DNA position 6005, A replaced by C.
Protein change: p.Lys2002Thr; replaces lysine 2002 with threonine.
Molecular consequence: missense variant.
Genome position (GRCh38, 1-based): chr18:2,802,539, A>C. VCF-style: chr18-2802539-A-C. GRCh37 (hg19) VCF-style: chr18-2802537-A-C.
Other names: c.6005A>C (NM_015295.2); short protein forms K2002T.
Identifiers: ClinVar variation 287952 (VCV000287952.14), dbSNP rs959328, ClinGen allele CA8871846.
Genomic context (GRCh38, chr18:2,802,539, plus strand): 5'-AAGGAAACCTTTGGTACATAAAACTTTTTTTTCTTTCCCCTTTGACCAGGATTATAACCA[A>C]AACAGATGTATGAGAGGTGACAGAGAGAAGAGGCCATTGGTCTCAGTAAGAATGCCCTGC-3'
Protein context (NP_056110.2, residues 1992-2005): EATRQNRIIT[Lys2002Thr]TDV

ClinVar aggregate classification (germline): Conflicting classifications of pathogenicity. Review status: criteria provided, conflicting classifications (1 of 4 stars). 5 submissions from 5 submitters: Uncertain significance (4); Likely benign (1). Last evaluated 2025-11-09.

Conditions:
Facioscapulohumeral muscular dystrophy 2 (FSHD2). Also called: MUSCULAR DYSTROPHY, FACIOSCAPULOHUMERAL, TYPE 1B; FACIOSCAPULOHUMERAL MUSCULAR DYSTROPHY 2, DIGENIC; FSHD2, DIGENIC. Identifiers: Orphanet 269, MedGen C1834671, MONDO:0008031, OMIM 158901.
Inborn genetic diseases. Identifiers: MedGen C0950123, MeSH D030342.

Allele frequency attached by ClinVar (database versions not stated): 1000 Genomes Project 30x 0.00016; 1000 Genomes Project 0.00020; gnomAD exomes 0.00001 and 0.00009; gnomAD 0.00003 and 0.00004; TOPMed 0.00005; ExAC 0.00009.
gnomAD v4.1: 37 of 1,554,226 alleles (0.0024%); highest among the groups gnomAD compares: East Asian, 0.041%; no homozygotes.

Submissions (5):

Labcorp Genetics (formerly Invitae), Labcorp
Classification: Uncertain significance for Facioscapulohumeral muscular dystrophy 2. Last evaluated: 2025-11-09. Review status: criteria provided, single submitter. Criteria: Invitae Variant Classification Sherloc (09022015). Collection method: clinical testing. Allele origin: germline.
Comment: This sequence change replaces lysine, which is basic and polar, with threonine, which is neutral and polar, at codon 2002 of the SMCHD1 protein (p.Lys2002Thr). This variant is present in population databases (rs959328, gnomAD 0.1%), and has an allele count higher than expected for a pathogenic variant. This variant has not been reported in the literature in individuals affected with SMCHD1-related conditions. ClinVar contains an entry for this variant (Variation ID: 287952). An algorithm developed to predict the effect of missense changes on protein structure and function (PolyPhen-2) suggests that this variant is likely to be tolerated. In summary, the available evidence is currently insufficient to determine the role of this variant in disease. Therefore, it has been classified as a Variant of Uncertain Significance.

Blueprint Genetics
Classification: Likely benign. Last evaluated: 2023-07-25. Review status: criteria provided, single submitter. Criteria: ACMG Guidelines, 2015. Collection method: clinical testing. Allele origin: germline.

Revvity Omics, Revvity
Classification: Uncertain significance. Last evaluated: 2021-12-15. Review status: criteria provided, single submitter. Criteria: ACMG Guidelines, 2015. Collection method: clinical testing. Allele origin: germline.

Ambry Genetics
Classification: Uncertain significance for Inborn genetic diseases. Last evaluated: 2021-08-12. Review status: criteria provided, single submitter. Criteria: Ambry Variant Classification Scheme 2023. Collection method: clinical testing. Allele origin: germline.

Eurofins Ntd Llc (ga)
Classification: Uncertain significance. Last evaluated: 2016-05-26. Review status: criteria provided, single submitter. Criteria: EGL Classification Definitions 2015. Collection method: clinical testing. Allele origin: germline. Observed: 1 variant allele, 1 heterozygote.